The following is an entry in ClinVar:

ClinVar aggregate classification (germline): Uncertain significance. Review status: criteria provided, multiple submitters, no conflicts (2 of 4 stars). 2 submissions from 2 submitters: Uncertain significance (2). Last evaluated 2024-11-29.

Conditions:
Methylmalonic acidemia with homocystinuria, type cblX (MAHCX). Also called: INTELLECTUAL DEVELOPMENTAL DISORDER, X-LINKED 3. Identifiers: Orphanet 369962, MedGen C0796208, MONDO:0010657, OMIM 309541.

Allele frequency attached by ClinVar (database versions not stated): TOPMed 0.00002; gnomAD 0.00003.
gnomAD v4.1: 64 of 1,176,808 alleles (0.0054%); highest among the groups gnomAD compares: Non-Finnish European, 0.0068%; no homozygotes.

Submissions (2):

Women's Health and Genetics/Laboratory Corporation of America, LabCorp
Classification: Uncertain significance. Last evaluated: 2024-11-29. Review status: criteria provided, single submitter. Criteria: LabCorp Variant Classification Summary - May 2015. Collection method: clinical testing. Allele origin: germline.
Comment: Variant summary: HCFC1 c.4532G>A (p.Arg1511His) results in a non-conservative amino acid change in the encoded protein sequence. Four of five in-silico tools predict a benign effect of the variant on protein function. The variant allele was found at a frequency of 3.2e-05 in 123908 control chromosomes. The available data on variant occurrences in the general population are insufficient to allow any conclusion about variant significance. To our knowledge, no occurrence of c.4532G>A in individuals affected with Methylmalonic Acidemia With Homocystinuria and no experimental evidence demonstrating its impact on protein function have been reported. ClinVar contains an entry for this variant (Variation ID: 2197742). Based on the evidence outlined above, the variant was classified as uncertain significance.

Labcorp Genetics (formerly Invitae), Labcorp
Classification: Uncertain significance for Methylmalonic acidemia with homocystinuria, type cblX. Last evaluated: 2022-10-17. Review status: criteria provided, single submitter. Criteria: Invitae Variant Classification Sherloc (09022015). Collection method: clinical testing. Allele origin: germline.
Comment: This sequence change replaces arginine, which is basic and polar, with histidine, which is basic and polar, at codon 1511 of the HCFC1 protein (p.Arg1511His). The frequency data for this variant in the population databases is considered unreliable, as metrics indicate poor data quality at this position in the gnomAD database. This variant has not been reported in the literature in individuals affected with HCFC1-related conditions. Algorithms developed to predict the effect of missense changes on protein structure and function are either unavailable or do not agree on the potential impact of this missense change (SIFT: "Deleterious"; PolyPhen-2: "Probably Damaging"; Align-GVGD: "Class C0"). In summary, the available evidence is currently insufficient to determine the role of this variant in disease. Therefore, it has been classified as a Variant of Uncertain Significance.

NM_005334.3(HCFC1):c.4532G>A (p.Arg1511His)

Gene: HCFC1 (host cell factor C1; minus strand). Cytogenetic location: Xq28.
Variant type: single nucleotide variant.
Coding change: c.4532G>A on transcript NM_005334.3 (MANE Select); coding-DNA position 4532, G replaced by A.
Protein change: p.Arg1511His; replaces arginine 1511 with histidine.
Molecular consequence: missense variant.
Genome position (GRCh38, 1-based): chrX:153,952,924, C>T on the plus strand (G>A on the coding strand, the complement: HCFC1 is on the minus strand). VCF-style: chrX-153952924-C-T. GRCh37 (hg19) VCF-style: chrX-153218375-C-T.
Other names: c.4664G>A, p.Arg1555His (NM_001410705.1); short protein forms R1511H, R1555H.
Identifiers: ClinVar variation 2197742 (VCV002197742.3), dbSNP rs978039312, ClinGen allele CA337251317.
Genomic context (GRCh38, chrX:153,952,924, plus strand): 5'-GACTCCCCCATCAGGGCTGTGGAAGCCGACTGCAGAAGCTGCCGTGGCGGCAGCTGCTGG[C>T]GAGGACCTGGCGACACCTGGAGTTCCTCTGGGGGCTGCAGGATGTCAACAGCAGAGAAGG-3'
Protein context (NP_005325.2, residues 1501-1521): PEELQVSPGP[Arg1511His]QQLPPRQLLQ